The following is an entry in ClinVar:

ClinVar aggregate classification (germline): Benign/Likely benign. Review status: criteria provided, multiple submitters, no conflicts (2 of 4 stars). 2 submissions from 2 submitters: Benign (1); Likely benign (1). Last evaluated 2025-12-24.

Allele frequency attached by ClinVar (database versions not stated): ExAC 0.00030; ESP Exome Variant Server 0.00062; gnomAD 0.00063 and 0.00064; TOPMed 0.00078; 1000 Genomes Project 30x 0.00141; 1000 Genomes Project 0.00160.
gnomAD v4.1: 259 of 1,602,816 alleles (0.016%); highest among the groups gnomAD compares: African/African-American, 0.19%; no homozygotes.

Submissions (2):

Labcorp Genetics (formerly Invitae), Labcorp
Classification: Benign. Last evaluated: 2025-12-24. Review status: criteria provided, single submitter. Criteria: Invitae Variant Classification Sherloc (09022015). Collection method: clinical testing. Allele origin: germline.

GeneDx
Classification: Likely benign. Last evaluated: 2017-02-23. Review status: criteria provided, single submitter. Criteria: GeneDx Variant Classification (06012015). Collection method: clinical testing. Allele origin: germline. Affected: yes.
Comment: This variant is considered likely benign or benign based on one or more of the following criteria: it is a conservative change, it occurs at a poorly conserved position in the protein, it is predicted to be benign by multiple in silico algorithms, and/or has population frequency not consistent with disease.

NM_018249.6(CDK5RAP2):c.3722+19G>A

Gene: CDK5RAP2 (CDK5 regulatory subunit associated protein 2; minus strand). Cytogenetic location: 9q33.2.
Variant type: single nucleotide variant.
Coding change: c.3722+19G>A on transcript NM_018249.6 (MANE Select); 19 bases into the intron after coding-DNA position 3722, G replaced by A.
Molecular consequence: intron variant.
Genome position (GRCh38, 1-based): chr9:120,439,380, C>T on the plus strand (G>A on the coding strand, the complement: CDK5RAP2 is on the minus strand). VCF-style: chr9-120439380-C-T. GRCh37 (hg19) VCF-style: chr9-123201658-C-T.
Other names: c.3032+19G>A (NM_001272039.2); c.3722+19G>A (NM_001011649.3).
Identifiers: ClinVar variation 517757 (VCV000517757.6), dbSNP rs375915842, ClinGen allele CA5213781.